The following is an entry in ClinVar:

NM_000256.3(MYBPC3):c.1090G>A (p.Ala364Thr)

Gene: MYBPC3 (myosin binding protein C3; minus strand). Cytogenetic location: 11p11.2.
Variant type: single nucleotide variant.
Coding change: c.1090G>A on transcript NM_000256.3 (MANE Select); coding-DNA position 1090, G replaced by A.
Protein change: p.Ala364Thr; replaces alanine 364 with threonine.
Molecular consequence: missense variant.
Genome position (GRCh38, 1-based): chr11:47,346,207, C>T on the plus strand (G>A on the coding strand, the complement: MYBPC3 is on the minus strand). VCF-style: chr11-47346207-C-T. GRCh37 (hg19) VCF-style: chr11-47367758-C-T.
Other names: c.1090G>A, p.Ala364Thr (LRG_386t1); short protein forms A364T.
Identifiers: ClinVar variation 454301 (VCV000454301.20), dbSNP rs794727046, ClinGen allele CA221700759.

ClinVar aggregate classification (germline): Pathogenic/Likely pathogenic. Review status: criteria provided, multiple submitters, no conflicts (2 of 4 stars). 7 submissions from 7 submitters: Pathogenic (4); Likely pathogenic (3). Last evaluated 2025-11-05.

Conditions:
MYBPC3-related disorder. Also called: MYBPC3-related disorders; MYBPC3-related condition; MYBPC3-related disease.
Cardiomyopathy (CMYO). Also called: Cardiomyopathies. Identifiers: Orphanet 167848, MedGen C0878544, MONDO:0004994, HP:0001638. Inheritance: Various modes of inheritance.
Hypertrophic cardiomyopathy. Also called: HYPERTROPHIC MYOCARDIOPATHY. Identifiers: Orphanet 217569, MedGen C0007194, MeSH D002312, MONDO:0005045, HP:0001639.
Cardiovascular phenotype. Identifiers: MedGen CN230736.

Allele frequency attached by ClinVar (database versions not stated): TOPMed 0.00001.

Submissions (7):

Labcorp Genetics (formerly Invitae), Labcorp
Classification: Pathogenic for Hypertrophic cardiomyopathy. Last evaluated: 2025-11-05. Review status: criteria provided, single submitter. Criteria: Invitae Variant Classification Sherloc (09022015). Collection method: clinical testing. Allele origin: germline.
Comment: This sequence change replaces alanine, which is neutral and non-polar, with threonine, which is neutral and polar, at codon 364 of the MYBPC3 protein (p.Ala364Thr). This variant also falls at the last nucleotide of exon 12, which is part of the consensus splice site for this exon. This variant is not present in population databases (gnomAD no frequency). This missense change has been observed in individuals with hypertrophic cardiomyopathy (PMID: 20513729, 21239446, 21302287, 25740977). ClinVar contains an entry for this variant (Variation ID: 454301). An algorithm developed to predict the effect of missense changes on protein structure and function (PolyPhen-2) suggests that this variant is likely to be tolerated. Variants that disrupt the consensus splice site are a relatively common cause of aberrant splicing (PMID: 17576681, 9536098). Algorithms developed to predict the effect of sequence changes on RNA splicing suggest that this variant may disrupt the consensus splice site. For these reasons, this variant has been classified as Pathogenic.

Ambry Genetics
Classification: Likely pathogenic for Cardiovascular phenotype. Last evaluated: 2024-04-05. Review status: criteria provided, single submitter. Criteria: Ambry Variant Classification Scheme 2023. Collection method: clinical testing. Allele origin: germline.
Comment: The c.1090G>A variant (also known as p.A364T), located in coding exon 12 of the MYBPC3 gene, results from a G to A substitution at nucleotide position 1090. The threonine at codon 364 is replaced by alanine, an amino acid with similar properties. However, this change occurs in the last base pair of coding exon 12 and may have some effect on normal mRNA splicing. This alteration has been reported in several individuals with hypertrophic cardiomyopathy (HCM) (Melacini P et al. Eur. Heart J., 2010 Sep;31:2111-23; Millat G et al. Clin. Chim. Acta, 2010 Dec;411:1983-91; Fokstuen S et al. J. Med. Genet., 2011 Aug;48:572-6; Roncarati R et al. J. Cell. Physiol., 2011 Nov;226:2894-900; Calore C et al. J. Med. Genet., 2015 May;52:338-47). RNA and minigene studies indicate that this alteration results in abnormal splicing (Crehalet H et al. Cardiogenetics, 2012; v.2:e6; Singer ES et al. Circ Genom Precis Med. 2019 Jan;12(1):e002368). Both the nucleotide and amino acid positions are well conserved in available vertebrate species. In silico splice site analysis predicts that this alteration may weaken the native splice donor site. In addition, as a missense substitution, this alteration is predicted to be tolerated by in silico analysis. This variant is considered to be rare based on population cohorts in the Genome Aggregation Database (gnomAD). Based on the majority of available evidence to date, this variant is likely to be pathogenic.

All of Us Research Program, National Institutes of Health
Classification: Pathogenic for Hypertrophic cardiomyopathy. Last evaluated: 2024-02-05. Review status: criteria provided, single submitter. Criteria: ACMG Guidelines, 2015. Collection method: clinical testing. Allele origin: germline. Inheritance: Autosomal dominant inheritance. Observed: 1 variant allele, 1 heterozygote.
Comment: This variant changes the last nucleotide c.G of exon 12 of the MYBPC3 gene and is predicted to impair RNA splicing at the intron 12 splice donor site. RNA studies from a carrier individual have shown that this variant causes an out-of-frame skipping of exon 12 (PMID: 30645170, 33530161). This variant is expected to result in an absent or non-functional protein product. This variant has been reported in at least 7 individuals affected with hypertrophic cardiomyopathy (PMID: 20513729, 20800588, 21239446, 21302287, 25740977, 30645170, 32481709, 32841044, 35208637; SCV000924849.1), and in one individual affected with dilated cardiomyopathy (PMID: 31983221). This variant has not been identified in the general population by the Genome Aggregation Database (gnomAD). Loss of MYBPC3 function is a known mechanism of disease. Based on the available evidence, this variant is classified as Pathogenic.

This study involves interpretation of variants in research participants for the purpose of population health screening. Participant phenotype was not available at the time of variant classification. Additional details can be found in publication PMID: 35346344, PMCID: PMC8962531

Color Diagnostics, LLC DBA Color Health
Classification: Pathogenic for Cardiomyopathy. Last evaluated: 2023-11-27. Review status: criteria provided, single submitter. Criteria: ACMG Guidelines, 2015. Collection method: clinical testing. Allele origin: germline.
Comment: This variant changes the last nucleotide c.G of exon 12 of the MYBPC3 gene and is predicted to impair RNA splicing at the intron 12 splice donor site. RNA studies from a carrier individual have shown that this variant causes an out-of-frame skipping of exon 12 (PMID: 30645170, 33530161). This variant is expected to result in an absent or non-functional protein product. This variant has been reported in at least 7 individuals affected with hypertrophic cardiomyopathy (PMID: 20513729, 20800588, 21239446, 21302287, 25740977, 30645170, 32481709, 32841044, 35208637; SCV000924849.1), and in one individual affected with dilated cardiomyopathy (PMID: 31983221). This variant has not been identified in the general population by the Genome Aggregation Database (gnomAD). Loss of MYBPC3 function is a known mechanism of disease. Based on the available evidence, this variant is classified as Pathogenic.

PreventionGenetics, part of Exact Sciences
Classification: Pathogenic for MYBPC3-related condition. Last evaluated: 2023-09-13. Review status: criteria provided, single submitter. Criteria: ACMG Guidelines, 2015. Collection method: clinical testing. Allele origin: germline.
Comment: The MYBPC3 c.1090G>A variant is predicted to result in the amino acid substitution p.Ala364Thr. This variant is located at the last nucleotide of exon 12 and is predicted to alter splicing based on available splicing prediction programs (Alamut Visual Plus v1.6.1). This variant was reported in numerous individuals with hypertrophic cardiomyopathy or dilated cardiomyopathy (Melacini et al. 2010. PubMed ID: 20513729; Millat et al. 2010. PubMed ID: 20800588; Roncarati et al. 2011. PubMed ID: 21302287; Calore et al. 2015. PubMed ID: 25740977; Table S3, Mazzarotto et al. 2020. PubMed ID: 31983221; Table S1, Preveden et al. 2022. PubMed ID: 35208637). mRNA studies using affected individual's blood sample showed that this variant results in the skipping of exon 12 and a subsequent frameshift (Figure S1F, Singer et al. 2019. PubMed ID: 30645170). This variant has not been reported in a large population database, indicating this variant is rare. This variant is interpreted as pathogenic.

CHEO Genetics Diagnostic Laboratory, Children's Hospital of Eastern Ontario
Classification: Likely pathogenic for Cardiomyopathy. Last evaluated: 2021-10-25. Review status: criteria provided, single submitter. Criteria: ACMG Guidelines, 2015. Collection method: clinical testing. Allele origin: germline.

Stanford Center for Inherited Cardiovascular Disease, Stanford University
Classification: Likely pathogenic. Last evaluated: 2017-04-25. Review status: criteria provided, single submitter. Criteria: ACMG Guidelines, 2015. Collection method: provider interpretation. Allele origin: germline.

Literature cited by the submitters: PubMed 20513729 (cited by 4 submitters); PubMed 21239446 (cited by 4 submitters); PubMed 21302287 (cited by 4 submitters); PubMed 25740977 (cited by 4 submitters); PubMed 17576681 (cited by Labcorp Genetics (formerly Invitae), Labcorp); PubMed 9536098 (cited by Labcorp Genetics (formerly Invitae), Labcorp); PubMed 20800588 (cited by 3 submitters); PubMed 28408708 (cited by Ambry Genetics); PubMed 28750076 (cited by Ambry Genetics); PubMed 30645170 (cited by 3 submitters); PubMed 31983221 (cited by All of Us Research Program, National Institutes of Health and Color Diagnostics, LLC DBA Color Health); PubMed 32481709 (cited by All of Us Research Program, National Institutes of Health and Color Diagnostics, LLC DBA Color Health); PubMed 32841044 (cited by All of Us Research Program, National Institutes of Health and Color Diagnostics, LLC DBA Color Health); PubMed 33530161 (cited by All of Us Research Program, National Institutes of Health and Color Diagnostics, LLC DBA Color Health); PubMed 35208637 (cited by All of Us Research Program, National Institutes of Health and Color Diagnostics, LLC DBA Color Health).